The following is an entry in ClinVar:

ClinVar aggregate classification (germline): Conflicting classifications of pathogenicity. Review status: criteria provided, conflicting classifications (1 of 4 stars). 2 submissions from 2 submitters: Likely pathogenic (1); Uncertain significance (1). Last evaluated 2024-05-29.

Conditions:
Familial infantile myasthenia (CMS6). Also called: MYASTHENIC SYNDROME, CONGENITAL, 6, PRESYNAPTIC; Congenital myasthenic syndrome type 6; MYASTHENIC SYNDROME, PRESYNAPTIC, CONGENITAL, ASSOCIATED WITH EPISODIC APNEA. Identifiers: Orphanet 590, MedGen C0393929, MONDO:0009689, OMIM 254210.

Submissions (2):

Fulgent Genetics
Classification: Likely pathogenic for Familial infantile myasthenia. Last evaluated: 2024-05-29. Review status: criteria provided, single submitter. Criteria: ACMG Guidelines, 2015. Collection method: clinical testing. Allele origin: germline.

Women's Health and Genetics/Laboratory Corporation of America, LabCorp
Classification: Uncertain significance. Last evaluated: 2023-09-18. Review status: criteria provided, single submitter. Criteria: LabCorp Variant Classification Summary - May 2015. Collection method: clinical testing. Allele origin: germline.
Comment: Variant summary: CHAT c.196_198delinsGG (p.Arg66GlyfsX134) located in the coding exon 1 of the longest CHAT gene transcript, results in a premature termination codon, predicted to cause a truncation of the encoded protein or absence of the protein due to nonsense mediated decay, which are commonly known mechanisms for disease. However, this exon is not expressed in multiple alternate CHAT transcripts to include NM_020986, where it is annotated as CHAT NM_020986.3:c.-69+1183_-69+1185delinsGG in the non-coding 5'UTR region of the CHAT gene. The variant was absent in 140372 control chromosomes (gnomAD). The available data on variant occurrences in the general population are insufficient to allow any conclusion about variant significance. To our knowledge, no occurrence of c.196_198delinsGG or other loss of function variants in exon 1 (c.1 to c.286), in individuals affected with Congenital Myasthenic Syndrome and no experimental evidence demonstrating its impact on protein function have been reported. No submitters have cited clinical-significance assessments for this variant to ClinVar after 2014. Based on the evidence outlined above, the variant was classified as uncertain significance.

NM_020549.5(CHAT):c.196_198delinsGG (p.Arg66fs)

Gene: CHAT (choline O-acetyltransferase; plus strand). Cytogenetic location: 10q11.23.
Variant type: Indel.
Coding change: c.196_198delinsGG on transcript NM_020549.5 (MANE Select); coding-DNA positions 196 to 198, CGC replaced by GG.
Protein change: p.Arg66fs; shifts the reading frame from arginine 66.
Molecular consequence: frameshift variant. On other transcripts: 5 prime UTR variant (4), intron variant (2).
Genome position (GRCh38, 1-based): chr10:49,614,385-49,614,387, CGC replaced by GG. VCF-style: chr10-49614385-CGC-GG. GRCh37 (hg19) VCF-style: chr10-50822431-CGC-GG.
Other names: c.-159_-157delinsGG (NM_001142929.2, NM_020985.4); c.-121_-119delinsGG (NM_001142933.2); c.-229_-227delinsGG (NM_001142934.2); c.196_198delCGCinsGG, p.Arg66Glyfs (NM_020549.4); c.-68-2117_-68-2115delinsGG (NM_020984.4); c.-69+1183_-69+1185delinsGG (NM_020986.4); short protein forms R66fs.
Identifiers: ClinVar variation 1704591 (VCV001704591.2), dbSNP rs2496288024, ClinGen allele CA2580081577.
Genomic context (GRCh38, chr10:49,614,385, plus strand): 5'-GGCGACGTCGGAGGCCCTGCCGGGAACCCAGGCTGCAGCCCCCACCCCCGCGCTGCGACA[CGC>GG]CCCCCACCCCTTCCGGCTCACACCCCCGCCCACACTCCTGAGTGGTGCGGTGCAGCGTCG-3'